The following is an entry in ClinVar:

ClinVar aggregate classification (germline): Pathogenic (1 of 4 stars; one submission).

Conditions:
Congenital pontocerebellar hypoplasia type 1. Also called: Pontocerebellar hypoplasia type 1. Identifiers: Orphanet 2254, MedGen C5442006, MONDO:0016396.

Submission:

Labcorp Genetics (formerly Invitae), Labcorp
Classification: Pathogenic for Pontocerebellar hypoplasia type 1. Last evaluated: 2018-12-11. Review status: criteria provided, single submitter. Criteria: Invitae Variant Classification Sherloc (09022015). Collection method: clinical testing. Allele origin: germline.
Comment: This variant is an out-of-frame deletion of the genomic region encompassing exons 9-11 of the VRK1 gene. This is expected to create a premature translational stop signal and result in an absent or disrupted protein product. This variant has not been reported in the literature in individuals with VRK1-related conditions. Loss-of-function variants in VRK1 are known to be pathogenic (PMID: 19646678). For these reasons, this variant has been classified as Pathogenic.

NC_000014.9:g.(?_96856120)_(96860745_?)del

Gene: VRK1 (VRK serine/threonine kinase 1; plus strand). Cytogenetic location: 14q32.2.
Variant type: Deletion.
Identifiers: ClinVar variation 643149 (VCV000643149.2).